The following is an entry in ClinVar:

ClinVar aggregate classification (germline): Benign. Review status: criteria provided, multiple submitters, no conflicts (2 of 4 stars). 7 submissions from 6 submitters: Benign (7). Last evaluated 2026-02-04.

Conditions:
Epithelial recurrent erosion dystrophy (ERED). Also called: CORNEAL EROSIONS, RECURRING HEREDITARY. Identifiers: Orphanet 293381, MedGen C1852551, MONDO:0007381, OMIM 122400.
Junctional epidermolysis bullosa, non-Herlitz type. Also called: Adult junctional epidermolysis bullosa; COL17A1-Related Junctional Epidermolysis Bullosa; Epidermolysis bullosa, junctional, non-herlitz type, somatic mosaic revertant; EPIDERMOLYSIS BULLOSA JUNCTIONALIS, DISENTIS TYPE; EPIDERMOLYSIS BULLOSA JUNCTIONALIS, NON-HERLITZ TYPE; EPIDERMOLYSIS BULLOSA JUNCTIONALIS, PROGRESSIVE. Identifiers: Orphanet 251393, Orphanet 79402, Orphanet 79405, Orphanet 89840, MedGen C0268374, MONDO:0009180, OMIM 226650.

Allele frequency attached by ClinVar (database versions not stated): ESP Exome Variant Server 0.72251; 1000 Genomes Project 30x 0.67833; 1000 Genomes Project 0.68151; TOPMed 0.72038; gnomAD 0.72299 and 0.72515.
gnomAD v4.1: 1,301,379 of 1,613,702 alleles (81%); highest among the groups gnomAD compares: Non-Finnish European, 84%; 529,996 homozygotes.

Submissions (7):

Labcorp Genetics (formerly Invitae), Labcorp
Classification: Benign. Last evaluated: 2026-02-04. Review status: criteria provided, single submitter. Criteria: Invitae Variant Classification Sherloc (09022015). Collection method: clinical testing. Allele origin: germline.

Genome-Nilou Lab
Classification: Benign for Junctional epidermolysis bullosa, non-Herlitz type. Last evaluated: 2021-07-22. Review status: criteria provided, single submitter. Criteria: ACMG Guidelines, 2015. Collection method: clinical testing. Allele origin: germline. Affected: no.

Genome-Nilou Lab
Classification: Benign for Epithelial recurrent erosion dystrophy. Last evaluated: 2021-07-22. Review status: criteria provided, single submitter. Criteria: ACMG Guidelines, 2015. Collection method: clinical testing. Allele origin: germline. Affected: no.

Illumina Laboratory Services, Illumina
Classification: Benign for Junctional epidermolysis bullosa, non-Herlitz type. Last evaluated: 2018-01-13. Review status: criteria provided, single submitter. Criteria: ICSL Variant Classification Criteria 13 December 2019. Collection method: clinical testing. Allele origin: germline.
Comment: This variant was observed in the ICSL laboratory as part of a predisposition screen in an ostensibly healthy population. It had not been previously curated by ICSL or reported in the Human Gene Mutation Database (HGMD: prior to June 1st, 2018), and was therefore a candidate for classification through an automated scoring system. Utilizing variant allele frequency, disease prevalence and penetrance estimates, and inheritance mode, an automated score was calculated to assess if this variant is too frequent to cause the disease. Based on the score and internal cut-off values, a variant classified as benign is not then subjected to further curation. The score for this variant resulted in a classification of benign for this disease.

GeneDx
Classification: Benign. Last evaluated: 2015-03-03. Review status: criteria provided, single submitter. Criteria: GeneDx Variant Classification Process June 2021. Collection method: clinical testing. Allele origin: germline. Affected: yes.

Breakthrough Genomics
Classification: Benign. Review status: criteria provided, single submitter. Criteria: ACMG Guidelines, 2015. Collection method: not provided. Allele origin: germline. Inheritance: Autosomal recessive inheritance. Affected: yes.

PreventionGenetics, part of Exact Sciences
Classification: Benign. Review status: criteria provided, single submitter. Criteria: ACMG Guidelines, 2015. Collection method: clinical testing. Allele origin: germline.

NM_000494.4(COL17A1):c.2904A>G (p.Pro968=)

Gene: COL17A1 (collagen type XVII alpha 1 chain; minus strand). Cytogenetic location: 10q25.1.
Variant type: single nucleotide variant.
Coding change: c.2904A>G on transcript NM_000494.4 (MANE Select); coding-DNA position 2904, A replaced by G.
Protein change: p.Pro968=; no amino-acid change (proline 968 retained).
Molecular consequence: synonymous variant.
Genome position (GRCh38, 1-based): chr10:104,039,114, T>C on the plus strand (A>G on the coding strand, the complement: COL17A1 is on the minus strand). VCF-style: chr10-104039114-T-C. GRCh37 (hg19) VCF-style: chr10-105798872-T-C.
Other names: c.2904A>G, p.Pro968= (LRG_1249t1).
Identifiers: ClinVar variation 256271 (VCV000256271.18), dbSNP rs2274100, ClinGen allele CA5678181.